The following is an entry in ClinVar:

ClinVar aggregate classification (germline): Likely benign. Review status: criteria provided, multiple submitters, no conflicts (2 of 4 stars). 3 submissions from 3 submitters: Likely benign (2). 1 of the submissions does not count toward it. Last evaluated 2026-01-26.

Conditions:
EPG5-related disorder. Also called: EPG5-related condition. Identifiers: MedGen CN381528.
Vici syndrome (VICIS). Identifiers: Orphanet 1493, MedGen C1855772, MONDO:0009452, OMIM 242840.

Allele frequency attached by ClinVar (database versions not stated): 1000 Genomes Project 30x 0.00109; 1000 Genomes Project 0.00120.
gnomAD v4.1: 117 of 1,614,042 alleles (0.0072%); highest among the groups gnomAD compares: East Asian, 0.23%; 1 homozygote.

Submissions (3):

Labcorp Genetics (formerly Invitae), Labcorp
Classification: Likely benign for Vici syndrome. Last evaluated: 2026-01-26. Review status: criteria provided, single submitter. Criteria: Invitae Variant Classification Sherloc (09022015). Collection method: clinical testing. Allele origin: germline.

Blueprint Genetics
Classification: Likely benign. Last evaluated: 2024-05-14. Review status: criteria provided, single submitter. Criteria: ACMG Guidelines, 2015. Collection method: clinical testing. Allele origin: germline.

PreventionGenetics, part of Exact Sciences
Classification: Likely benign for EPG5-related condition. Last evaluated: 2023-06-08. Review status: no assertion criteria provided. Collection method: clinical testing. Allele origin: germline. Not counted in ClinVar's aggregate classification.
Comment: This variant is classified as likely benign based on ACMG/AMP sequence variant interpretation guidelines (Richards et al. 2015 PMID: 25741868, with internal and published modifications).

NM_020964.3(EPG5):c.6372G>A (p.Met2124Ile)

Gene: EPG5 (ectopic P-granules 5 autophagy tethering factor; minus strand). Cytogenetic location: 18q12.3.
Variant type: single nucleotide variant.
Coding change: c.6372G>A on transcript NM_020964.3 (MANE Select); coding-DNA position 6372, G replaced by A.
Protein change: p.Met2124Ile; replaces methionine 2124 with isoleucine.
Molecular consequence: missense variant.
Genome position (GRCh38, 1-based): chr18:45,867,602, C>T on the plus strand (G>A on the coding strand, the complement: EPG5 is on the minus strand). VCF-style: chr18-45867602-C-T. GRCh37 (hg19) VCF-style: chr18-43447567-C-T.
Other names: c.6372G>A (NM_020964.2); short protein forms M2124I.
Identifiers: ClinVar variation 1155670 (VCV001155670.13), dbSNP rs537052000, ClinGen allele CA8948296.